The following is an entry in ClinVar:

NM_000532.5(PCCB):c.484G>A (p.Gly162Arg)

Gene: PCCB (propionyl-CoA carboxylase subunit beta; plus strand). Cytogenetic location: 3q22.3.
Variant type: single nucleotide variant.
Coding change: c.484G>A on transcript NM_000532.5 (MANE Select); coding-DNA position 484, G replaced by A.
Protein change: p.Gly162Arg; replaces glycine 162 with arginine.
Molecular consequence: missense variant.
Genome position (GRCh38, 1-based): chr3:136,262,006, G>A. VCF-style: chr3-136262006-G-A. GRCh37 (hg19) VCF-style: chr3-135980848-G-A.
Other names: c.544G>A, p.Gly182Arg (NM_001178014.2); short protein forms G182R, G162R.
Identifiers: ClinVar variation 2734572 (VCV002734572.5), dbSNP rs754752068, ClinGen allele CA354739659.

ClinVar aggregate classification (germline): Likely pathogenic. Review status: criteria provided, multiple submitters, no conflicts (2 of 4 stars). 2 submissions from 2 submitters: Likely pathogenic (2). Last evaluated 2025-07-30.

Conditions:
Propionic acidemia (PROP). Also called: GLYCINEMIA, KETOTIC; HYPERGLYCINEMIA WITH KETOACIDOSIS AND LEUKOPENIA; KETOTIC HYPERGLYCINEMIA. Identifiers: Orphanet 35, MedGen C0268579, MONDO:0011628, OMIM 606054, HP:0003571.

Submissions (2):

Women's Health and Genetics/Laboratory Corporation of America, LabCorp
Classification: Likely pathogenic for Propionic acidemia. Last evaluated: 2025-07-30. Review status: criteria provided, single submitter. Criteria: LabCorp Variant Classification Summary - May 2015. Collection method: clinical testing. Allele origin: germline.
Comment: Variant summary: PCCB c.484G>A (p.Gly162Arg) results in a non-conservative amino acid change located in the Acetyl-coenzyme A carboxyltransferase, N-terminal domain (IPR011762) of the encoded protein sequence. Algorithms developed to predict the effect of missense changes on protein structure and function all suggest that this variant is likely to be disruptive. The variant was absent in 171574 control chromosomes (gnomAD). c.484G>A has been observed in at least one individual affected with Propionic Acidemia (Hu_2008, Marchuk_2023). These data indicate that the variant may be associated with disease. A different variant affecting the same codon has been classified as likely pathogenic/pathogenic by our lab (c.484G>T, p.Gly162Trp), supporting the critical relevance of codon 162 to PCCB protein function. To our knowledge, no experimental evidence demonstrating an impact on protein function has been reported. The following publications have been ascertained in the context of this evaluation (PMID: 19099776, 37482098). ClinVar contains an entry for this variant (Variation ID: 2734572). Based on the evidence outlined above, the variant was classified as likely pathogenic.

Labcorp Genetics (formerly Invitae), Labcorp
Classification: Likely pathogenic for Propionic acidemia. Last evaluated: 2023-08-23. Review status: criteria provided, single submitter. Criteria: Invitae Variant Classification Sherloc (09022015). Collection method: clinical testing. Allele origin: germline.
Comment: This variant is not present in population databases (gnomAD no frequency). In summary, the currently available evidence indicates that the variant is pathogenic, but additional data are needed to prove that conclusively. Therefore, this variant has been classified as Likely Pathogenic. This variant disrupts the p.Gly162 amino acid residue in PCCB. Other variant(s) that disrupt this residue have been determined to be pathogenic (PMID: 32778825; Invitae). This suggests that this residue is clinically significant, and that variants that disrupt this residue are likely to be disease-causing. Advanced modeling of protein sequence and biophysical properties (such as structural, functional, and spatial information, amino acid conservation, physicochemical variation, residue mobility, and thermodynamic stability) performed at Invitae indicates that this missense variant is expected to disrupt PCCB protein function. This missense change has been observed in individual(s) with propionic acidemia (PMID: 19099776). This sequence change replaces glycine, which is neutral and non-polar, with arginine, which is basic and polar, at codon 162 of the PCCB protein (p.Gly162Arg).

Literature cited by the submitters: PubMed 37482098 (cited by Women's Health and Genetics/Laboratory Corporation of America, LabCorp); PubMed 19099776 (cited by Women's Health and Genetics/Laboratory Corporation of America, LabCorp and Labcorp Genetics (formerly Invitae), Labcorp); PubMed 32778825 (cited by Labcorp Genetics (formerly Invitae), Labcorp).